The following is an entry in ClinVar:

ClinVar aggregate classification (germline): Uncertain significance (1 of 4 stars; one submission).

Conditions:
Gorlin syndrome. Also called: Nevoid Basal Cell Carcinoma Syndrome; Basal cell nevus syndrome. Identifiers: Orphanet 377, MedGen C0004779, MONDO:0007187.

Allele frequency attached by ClinVar (database versions not stated): gnomAD exomes below 0.00001.

Submission:

Labcorp Genetics (formerly Invitae), Labcorp
Classification: Uncertain significance for Gorlin syndrome. Last evaluated: 2022-08-16. Review status: criteria provided, single submitter. Criteria: Invitae Variant Classification Sherloc (09022015). Collection method: clinical testing. Allele origin: germline.
Comment: In summary, the available evidence is currently insufficient to determine the role of this variant in disease. Therefore, it has been classified as a Variant of Uncertain Significance. Algorithms developed to predict the effect of missense changes on protein structure and function are either unavailable or do not agree on the potential impact of this missense change (SIFT: "Deleterious"; PolyPhen-2: "Benign"; Align-GVGD: "Class C0"). ClinVar contains an entry for this variant (Variation ID: 851566). This variant has not been reported in the literature in individuals affected with PTCH2-related conditions. This variant is present in population databases (no rsID available, gnomAD 0.006%). This sequence change replaces proline, which is neutral and non-polar, with leucine, which is neutral and non-polar, at codon 129 of the PTCH2 protein (p.Pro129Leu).

NM_003738.5(PTCH2):c.386C>T (p.Pro129Leu)

Gene: PTCH2 (patched 2; minus strand). Cytogenetic location: 1p34.1.
Variant type: single nucleotide variant.
Coding change: c.386C>T on transcript NM_003738.5 (MANE Select); coding-DNA position 386, C replaced by T.
Protein change: p.Pro129Leu; replaces proline 129 with leucine.
Molecular consequence: missense variant.
Genome position (GRCh38, 1-based): chr1:44,832,221, G>A on the plus strand (C>T on the coding strand, the complement: PTCH2 is on the minus strand). VCF-style: chr1-44832221-G-A. GRCh37 (hg19) VCF-style: chr1-45297893-G-A.
Other names: c.386C>T, p.Pro129Leu (NM_001166292.2); short protein forms P129L.
Identifiers: ClinVar variation 851566 (VCV000851566.10), dbSNP rs1421459206, ClinGen allele CA340109172.
Genomic context (GRCh38, chr1:44,832,221, plus strand): 5'-AGTGATACTTGGACTTTACTGGCAGTGAGGGCTGCCTGGAGGTGGAGGCCAAGTGCTTCG[G>A]GTGTGAGGATGTTCTCTCCCTCCTGGCGTGCGGTCTGTATCAGCATCTGAGAGGTGTATG-3'
Protein context (NP_003729.3, residues 119-139): ARQEGENILT[Pro129Leu]EALGLHLQAA